The following is an entry in ClinVar:

NM_001376.5(DYNC1H1):c.5817+5G>A

Gene: DYNC1H1 (dynein cytoplasmic 1 heavy chain 1; plus strand). Cytogenetic location: 14q32.31.
Variant type: single nucleotide variant.
Coding change: c.5817+5G>A on transcript NM_001376.5 (MANE Select); 5 bases into the intron after coding-DNA position 5817, G replaced by A.
Molecular consequence: intron variant.
Genome position (GRCh38, 1-based): chr14:102,007,113, G>A. VCF-style: chr14-102007113-G-A. GRCh37 (hg19) VCF-style: chr14-102473450-G-A.
Identifiers: ClinVar variation 1693433 (VCV001693433.2), dbSNP rs1465277335, ClinGen allele CA616371204.

ClinVar aggregate classification (germline): Uncertain significance (1 of 4 stars; one submission).

Allele frequency attached by ClinVar (database versions not stated): gnomAD exomes below 0.00001; TOPMed below 0.00001.
gnomAD v4.1: 2 of 1,613,958 alleles (0.00012%); highest among the groups gnomAD compares: Non-Finnish European, 0.00017%; no homozygotes.

Submission:

GeneDx
Classification: Uncertain significance. Last evaluated: 2021-12-30. Review status: criteria provided, single submitter. Criteria: GeneDx Variant Classification Process June 2021. Collection method: clinical testing. Allele origin: germline. Affected: yes.
Comment: Has not been previously published as pathogenic or benign to our knowledge; In silico analysis, which includes splice predictors and evolutionary conservation, suggests this variant may impact gene splicing. In the absence of RNA/functional studies, the actual effect of this sequence change is unknown.